The following is an entry in ClinVar:

ClinVar aggregate classification (germline): Uncertain significance (1 of 4 stars; one submission).

gnomAD v4.1: 18 of 1,546,240 alleles (0.0012%); highest among the groups gnomAD compares: South Asian, 0.0036%; no homozygotes.

Submission:

GeneDx
Classification: Uncertain significance. Last evaluated: 2025-05-23. Review status: criteria provided, single submitter. Criteria: GeneDx Variant Classification Process June 2021. Collection method: clinical testing. Allele origin: germline. Affected: yes.
Comment: In silico analysis supports that this missense variant has a deleterious effect on protein structure/function; Has not been previously published as pathogenic or benign to our knowledge

NM_005560.6(LAMA5):c.2488C>T (p.Arg830Trp)

Gene: LAMA5 (laminin subunit alpha 5; minus strand). Cytogenetic location: 20q13.33.
Variant type: single nucleotide variant.
Coding change: c.2488C>T on transcript NM_005560.6 (MANE Select); coding-DNA position 2488, C replaced by T.
Protein change: p.Arg830Trp; replaces arginine 830 with tryptophan.
Molecular consequence: missense variant.
Genome position (GRCh38, 1-based): chr20:62,334,616, G>A on the plus strand (C>T on the coding strand, the complement: LAMA5 is on the minus strand). VCF-style: chr20-62334616-G-A. GRCh37 (hg19) VCF-style: chr20-60909672-G-A.
Other names: short protein forms R830W.
Identifiers: ClinVar variation 4532394 (VCV004532394.1).